The following is an entry in ClinVar:

NM_021224.6(ZNF462):c.5002T>G (p.Phe1668Val)

Gene: ZNF462 (zinc finger protein 462; plus strand). Cytogenetic location: 9q31.2.
Variant type: single nucleotide variant.
Coding change: c.5002T>G on transcript NM_021224.6 (MANE Select); coding-DNA position 5002, T replaced by G.
Protein change: p.Phe1668Val; replaces phenylalanine 1668 with valine.
Molecular consequence: missense variant. On other transcripts: intron variant (1).
Genome position (GRCh38, 1-based): chr9:106,928,914, T>G. VCF-style: chr9-106928914-T-G. GRCh37 (hg19) VCF-style: chr9-109691195-T-G.
Other names: c.3253-1611T>G (NM_001347997.2); short protein forms F1668V.
Identifiers: ClinVar variation 4281796 (VCV004281796.1).
Genomic context (GRCh38, chr9:106,928,914, plus strand): 5'-CACTTCTCTACCTCCCACCTGGTCTCCCACACTGTGTTCCGGTGCCAGCTCTGCAAGTAC[T>G]TCTGCTCCACGAGGAAGGGGATCGCCAGGCACTACCGCATCAAGCACAATAATGTCCGAG-3'
Protein context (NP_067047.4, residues 1658-1678): TVFRCQLCKY[Phe1668Val]CSTRKGIARH

ClinVar aggregate classification (germline): Uncertain significance (1 of 4 stars; one submission).

Submission:

GeneDx
Classification: Uncertain significance. Last evaluated: 2025-04-07. Review status: criteria provided, single submitter. Criteria: GeneDx Variant Classification Process June 2021. Collection method: clinical testing. Allele origin: germline. Affected: yes.
Comment: Not observed at significant frequency in large population cohorts (gnomAD); In silico analysis supports that this missense variant has a deleterious effect on protein structure/function; Has not been previously published as pathogenic or benign to our knowledge